The following is an entry in ClinVar:

ClinVar aggregate classification (germline): Likely benign (0 of 4 stars; one submission).

Conditions:
TBC1D8B-related disorder. Also called: TBC1D8B-related condition.

Allele frequency attached by ClinVar (database versions not stated): TOPMed 0.00003; gnomAD 0.00006; 1000 Genomes Project 30x 0.00021; ExAC 0.00021; 1000 Genomes Project 0.00026.
gnomAD v4.1: 147 of 1,173,871 alleles (0.013%); highest among the groups gnomAD compares: South Asian, 0.28%; 1 homozygote.

Submission:

PreventionGenetics, part of Exact Sciences
Classification: Likely benign for TBC1D8B-related condition. Last evaluated: 2020-01-17. Review status: no assertion criteria provided. Collection method: clinical testing. Allele origin: germline.
Comment: This variant is classified as likely benign based on ACMG/AMP sequence variant interpretation guidelines (Richards et al. 2015 PMID: 25741868, with internal and published modifications).

NM_017752.3(TBC1D8B):c.3362A>C (p.Ter1121Ser)

Gene: TBC1D8B (TBC1 domain family member 8B; plus strand). Cytogenetic location: Xq22.3.
Variant type: single nucleotide variant.
Coding change: c.3362A>C on transcript NM_017752.3 (MANE Select); coding-DNA position 3362, A replaced by C.
Protein change: p.Ter1121Ser.
Molecular consequence: stop lost.
Genome position (GRCh38, 1-based): chrX:106,873,964, A>C. VCF-style: chrX-106873964-A-C. GRCh37 (hg19) VCF-style: chrX-106117194-A-C.
Identifiers: ClinVar variation 3051271 (VCV003051271.2), dbSNP rs562930924, ClinGen allele CA10483533.